The following is an entry in ClinVar:

ClinVar aggregate classification (germline): Uncertain significance (1 of 4 stars; one submission).

Allele frequency attached by ClinVar (database versions not stated): gnomAD exomes below 0.00001 and 0.00001; gnomAD 0.00001.
gnomAD v4.1: 7 of 1,614,062 alleles (0.00043%); highest among the groups gnomAD compares: South Asian, 0.0022%; no homozygotes.

Submission:

Labcorp Genetics (formerly Invitae), Labcorp
Classification: Uncertain significance. Last evaluated: 2024-07-01. Review status: criteria provided, single submitter. Criteria: Invitae Variant Classification Sherloc (09022015). Collection method: clinical testing. Allele origin: germline.
Comment: This sequence change replaces threonine, which is neutral and polar, with proline, which is neutral and non-polar, at codon 345 of the CACNA1D protein (p.Thr345Pro). This variant is present in population databases (no rsID available, gnomAD 0.003%). This variant has not been reported in the literature in individuals affected with CACNA1D-related conditions. ClinVar contains an entry for this variant (Variation ID: 1494478). Advanced modeling of protein sequence and biophysical properties (such as structural, functional, and spatial information, amino acid conservation, physicochemical variation, residue mobility, and thermodynamic stability) performed at Invitae indicates that this missense variant is expected to disrupt CACNA1D protein function with a positive predictive value of 80%. In summary, the available evidence is currently insufficient to determine the role of this variant in disease. Therefore, it has been classified as a Variant of Uncertain Significance.

NM_001128840.3(CACNA1D):c.1033A>C (p.Thr345Pro)

Gene: CACNA1D (calcium voltage-gated channel subunit alpha1 D; plus strand). Cytogenetic location: 3p21.1.
Variant type: single nucleotide variant.
Coding change: c.1033A>C on transcript NM_001128840.3 (MANE Select); coding-DNA position 1033, A replaced by C.
Protein change: p.Thr345Pro; replaces threonine 345 with proline.
Molecular consequence: missense variant.
Genome position (GRCh38, 1-based): chr3:53,666,452, A>C. VCF-style: chr3-53666452-A-C. GRCh37 (hg19) VCF-style: chr3-53700479-A-C.
Other names: c.1033A>C, p.Thr345Pro (NM_000720.4, NM_001128839.3); short protein forms T345P.
Identifiers: ClinVar variation 1494478 (VCV001494478.6), dbSNP rs1199547685, ClinGen allele CA353383533.